The following is an entry in ClinVar:

NM_205836.3(FBXO38):c.1868C>G (p.Ser623Cys)

Gene: FBXO38 (F-box protein 38; plus strand). Cytogenetic location: 5q32.
Variant type: single nucleotide variant.
Coding change: c.1868C>G on transcript NM_205836.3 (MANE Select); coding-DNA position 1868, C replaced by G.
Protein change: p.Ser623Cys; replaces serine 623 with cysteine.
Molecular consequence: missense variant.
Genome position (GRCh38, 1-based): chr5:148,425,651, C>G. VCF-style: chr5-148425651-C-G. GRCh37 (hg19) VCF-style: chr5-147805214-C-G.
Other names: c.1868C>G (NM_030793.4); c.1868C>G, p.Ser623Cys (NM_001271723.2, NM_030793.5); short protein forms S623C.
Identifiers: ClinVar variation 3673404 (VCV003673404.3).

ClinVar aggregate classification (germline): Uncertain significance. Review status: criteria provided, multiple submitters, no conflicts (2 of 4 stars). 2 submissions from 2 submitters: Uncertain significance (2). Last evaluated 2026-09-15.

Conditions:
FBXO38-related disorder. Also called: FBXO38-related condition.
Distal hereditary motor neuropathy type 2. Identifiers: Orphanet 139525, MedGen C3711384, MeSH C580044, MONDO:0015352.

Submissions (2):

PreventionGenetics, part of Exact Sciences
Classification: Uncertain significance for FBXO38-related condition. Last evaluated: 2026-09-15. Review status: criteria provided, single submitter. Criteria: ACMG Guidelines, 2015. Collection method: clinical testing. Allele origin: germline.
Comment: The FBXO38 c.1868C>G variant is predicted to result in the amino acid substitution p.Ser623Cys. To our knowledge, this variant has not been reported in the literature. This variant is reported in 0.0016% of alleles in individuals of European (Non-Finnish) descent in gnomAD. At this time, the clinical significance of this variant is uncertain due to the absence of conclusive functional and genetic evidence.

Labcorp Genetics (formerly Invitae), Labcorp
Classification: Uncertain significance for Distal hereditary motor neuropathy type 2. Last evaluated: 2024-06-03. Review status: criteria provided, single submitter. Criteria: Invitae Variant Classification Sherloc (09022015). Collection method: clinical testing. Allele origin: germline.
Comment: This sequence change replaces serine, which is neutral and polar, with cysteine, which is neutral and slightly polar, at codon 623 of the FBXO38 protein (p.Ser623Cys). This variant is present in population databases (rs767709334, gnomAD 0.002%). This variant has not been reported in the literature in individuals affected with FBXO38-related conditions. Advanced modeling of protein sequence and biophysical properties (such as structural, functional, and spatial information, amino acid conservation, physicochemical variation, residue mobility, and thermodynamic stability) performed at Invitae indicates that this missense variant is not expected to disrupt FBXO38 protein function with a negative predictive value of 80%. In summary, the available evidence is currently insufficient to determine the role of this variant in disease. Therefore, it has been classified as a Variant of Uncertain Significance.